The following is an entry in ClinVar:

ClinVar aggregate classification (germline): Uncertain significance (1 of 4 stars; one submission).

gnomAD v4.1: 1 of 1,550,416 alleles (0.000064%); highest among the groups gnomAD compares: African/African-American, 0.0014%; no homozygotes.

Submission:

Ambry Genetics
Classification: Uncertain significance. Last evaluated: 2024-07-29. Review status: criteria provided, single submitter. Criteria: Ambry Variant Classification Scheme 2023. Collection method: clinical testing. Allele origin: germline.
Comment: The p.R133L variant (also known as c.398G>T), located in coding exon 1 of the TERF2IP gene, results from a G to T substitution at nucleotide position 398. The arginine at codon 133 is replaced by leucine, an amino acid with dissimilar properties. This amino acid position is conserved. In addition, the in silico prediction for this alteration is inconclusive. Based on the available evidence, the clinical significance of this variant remains unclear.

NM_018975.4(TERF2IP):c.398G>T (p.Arg133Leu)

Gene: TERF2IP (TERF2 interacting protein; plus strand). Cytogenetic location: 16q23.1.
Variant type: single nucleotide variant.
Coding change: c.398G>T on transcript NM_018975.4 (MANE Select); coding-DNA position 398, G replaced by T.
Protein change: p.Arg133Leu; replaces arginine 133 with leucine.
Molecular consequence: missense variant. On other transcripts: non-coding transcript variant (1).
Genome position (GRCh38, 1-based): chr16:75,648,280, G>T. VCF-style: chr16-75648280-G-T. GRCh37 (hg19) VCF-style: chr16-75682178-G-T.
Other names: short protein forms R133L.
Identifiers: ClinVar variation 3455109 (VCV003455109.1).
Genomic context (GRCh38, chr16:75,648,280, plus strand): 5'-CAAAGCCCGGGGCCCTGGCCGAGGGCGCCGCGGAGCCGGAGCCGCAGCGGCACGCCGGGC[G>T]GATCGCCTTCACGGATGCGGACGACGTAGCCATCCTTACCTACGTGAAGGAAAATGCCCG-3'
Protein context (NP_061848.2, residues 123-143): AEPEPQRHAG[Arg133Leu]IAFTDADDVA